The following is an entry in ClinVar:

NM_006031.6(PCNT):c.1281C>T (p.His427=)

Gene: PCNT (pericentrin; plus strand). Cytogenetic location: 21q22.3.
Variant type: single nucleotide variant.
Coding change: c.1281C>T on transcript NM_006031.6 (MANE Select); coding-DNA position 1281, C replaced by T.
Protein change: p.His427=; no amino-acid change (histidine 427 retained).
Molecular consequence: synonymous variant.
Genome position (GRCh38, 1-based): chr21:46,349,757, C>T. VCF-style: chr21-46349757-C-T. GRCh37 (hg19) VCF-style: chr21-47769671-C-T.
Other names: c.927C>T, p.His309= (NM_001315529.2).
Identifiers: ClinVar variation 281565 (VCV000281565.15), dbSNP rs142413458, ClinGen allele CA10078567.

ClinVar aggregate classification (germline): Conflicting classifications of pathogenicity. Review status: criteria provided, conflicting classifications (1 of 4 stars). 4 submissions from 4 submitters: Uncertain significance (1); Likely benign (2). 1 of the submissions does not count toward it. Last evaluated 2024-11-27.

Conditions:
PCNT-related disorder. Also called: PCNT-related condition.

Allele frequency attached by ClinVar (database versions not stated): gnomAD 0.00004 and 0.00006; TOPMed 0.00004; gnomAD exomes 0.00007 and 0.00012; ESP Exome Variant Server 0.00008; ExAC 0.00016; 1000 Genomes Project 0.00040; 1000 Genomes Project 30x 0.00047.
gnomAD v4.1: 111 of 1,613,960 alleles (0.0069%); highest among the groups gnomAD compares: South Asian, 0.056%; 1 homozygote.

Submissions (4):

Labcorp Genetics (formerly Invitae), Labcorp
Classification: Likely benign. Last evaluated: 2024-11-27. Review status: criteria provided, single submitter. Criteria: Invitae Variant Classification Sherloc (09022015). Collection method: clinical testing. Allele origin: germline.

Genetic Services Laboratory, University of Chicago
Classification: Likely benign. Last evaluated: 2017-08-08. Review status: criteria provided, single submitter. Criteria: ACMG Guidelines, 2015. Collection method: clinical testing. Allele origin: germline. Affected: no.

Eurofins Ntd Llc (ga)
Classification: Uncertain significance. Last evaluated: 2015-06-29. Review status: criteria provided, single submitter. Criteria: EGL Classification Definitions 2015. Collection method: clinical testing. Allele origin: germline. Observed: 1 variant allele, 1 heterozygote.

PreventionGenetics, part of Exact Sciences
Classification: Likely benign for PCNT-related condition. Last evaluated: 2023-06-16. Review status: no assertion criteria provided. Collection method: clinical testing. Allele origin: germline. Not counted in ClinVar's aggregate classification.
Comment: This variant is classified as likely benign based on ACMG/AMP sequence variant interpretation guidelines (Richards et al. 2015 PMID: 25741868, with internal and published modifications).